The following is an entry in ClinVar:

ClinVar aggregate classification (germline): Uncertain significance (1 of 4 stars; one submission).

Submission:

GeneDx
Classification: Uncertain significance. Last evaluated: 2025-12-28. Review status: criteria provided, single submitter. Criteria: GeneDx Variant Classification Process June 2021. Collection method: clinical testing. Allele origin: germline.
Comment: Not observed at significant frequency in large population cohorts (gnomAD); In silico analysis supports that this missense variant has a deleterious effect on protein structure/function; Has not been previously published as pathogenic or benign to our knowledge

NM_005120.3(MED12):c.5096C>G (p.Pro1699Arg)

Gene: MED12 (mediator complex subunit 12; plus strand). Cytogenetic location: Xq13.1.
Variant type: single nucleotide variant.
Coding change: c.5096C>G on transcript NM_005120.3 (MANE Select); coding-DNA position 5096, C replaced by G.
Protein change: p.Pro1699Arg; replaces proline 1699 with arginine.
Molecular consequence: missense variant.
Genome position (GRCh38, 1-based): chrX:71,136,351, C>G. VCF-style: chrX-71136351-C-G. GRCh37 (hg19) VCF-style: chrX-70356201-C-G.
Other names: short protein forms P1699R.
Identifiers: ClinVar variation 3360122 (VCV003360122.2).
Genomic context (GRCh38, chrX:71,136,351, plus strand): 5'-TTTCCACCAAACAGAAGATCTCGCCCTGGGATCTTTTTGAGGGGTTGAAGCCGTCAGCAC[C>G]ACTCTCTTGGGGCTGGTTTGGAACAGTCCGAGTGGACCGGCGAGTGGCTCGAGGAGAGGA-3'
Protein context (NP_005111.2, residues 1689-1709): DLFEGLKPSA[Pro1699Arg]LSWGWFGTVR